The following is an entry in ClinVar:

ClinVar aggregate classification (germline): Benign. Review status: criteria provided, multiple submitters, no conflicts (2 of 4 stars). 9 submissions from 8 submitters: Benign (9). Last evaluated 2026-04-14.

Conditions:
Progressive familial intrahepatic cholestasis type 1. Also called: BYLER DISEASE; Byler's disease; Severe ATP8B1 Deficiency (Progressive Familial Intrahepatic Cholestasis Type 1 [PFIC1]). Identifiers: Orphanet 79306, MedGen C4551898, MONDO:0008892, OMIM 211600.
Cholestasis, intrahepatic, of pregnancy, 1 (ICP1). Also called: CHOLESTASIS, PREGNANCY-RELATED, 1. Identifiers: Orphanet 69665, MedGen C3549845, MONDO:0007829, OMIM 147480.
Familial intrahepatic cholestasis. Identifiers: Orphanet 284385, MedGen CN296401, MONDO:0017290.

Allele frequency attached by ClinVar (database versions not stated): 1000 Genomes Project 0.08546; 1000 Genomes Project 30x 0.08776; TOPMed 0.11697; gnomAD 0.12129 and 0.12165; ESP Exome Variant Server 0.12809; gnomAD exomes 0.13970 and 0.15965; ExAC 0.14036.
gnomAD v4.1: 250,558 of 1,611,714 alleles (16%); highest among the groups gnomAD compares: Non-Finnish European, 17%; 20,984 homozygotes.

Submissions (9):

Genomenon, Inc
Classification: Benign for Familial intrahepatic cholestasis. Last evaluated: 2026-04-14. Review status: criteria provided, single submitter. Criteria: Genomenon Sequence Variant Interpretation Standards - Updated. Collection method: curation. Allele origin: germline. Affected: no.
Comment: ATP8B1 c.3531+8G>T is an intronic variant located in intron 27. In silico models predict that this variant is not damaging. This variant is present at high allele frequency in population databases. In conclusion, we classify ATP8B1 c.3531+8G>T as a benign variant.

Labcorp Genetics (formerly Invitae), Labcorp
Classification: Benign. Last evaluated: 2026-02-04. Review status: criteria provided, single submitter. Criteria: Invitae Variant Classification Sherloc (09022015). Collection method: clinical testing. Allele origin: germline.

Mayo Clinic Laboratories, Mayo Clinic
Classification: Benign. Last evaluated: 2022-03-18. Review status: criteria provided, single submitter. Criteria: ACMG Guidelines, 2015. Collection method: clinical testing. Allele origin: germline. Observed: 110 variant alleles.

Genome-Nilou Lab
Classification: Benign for Cholestasis, intrahepatic, of pregnancy, 1. Last evaluated: 2021-07-14. Review status: criteria provided, single submitter. Criteria: ACMG Guidelines, 2015. Collection method: clinical testing. Allele origin: germline. Affected: no.

Genome-Nilou Lab
Classification: Benign for Progressive familial intrahepatic cholestasis type 1. Last evaluated: 2021-07-14. Review status: criteria provided, single submitter. Criteria: ACMG Guidelines, 2015. Collection method: clinical testing. Allele origin: germline. Affected: no.

Illumina Laboratory Services, Illumina
Classification: Benign for Progressive familial intrahepatic cholestasis type 1. Last evaluated: 2018-01-13. Review status: criteria provided, single submitter. Criteria: ICSL Variant Classification Criteria 13 December 2019. Collection method: clinical testing. Allele origin: germline.
Comment: This variant was observed in the ICSL laboratory as part of a predisposition screen in an ostensibly healthy population. It had not been previously curated by ICSL or reported in the Human Gene Mutation Database (HGMD: prior to June 1st, 2018), and was therefore a candidate for classification through an automated scoring system. Utilizing variant allele frequency, disease prevalence and penetrance estimates, and inheritance mode, an automated score was calculated to assess if this variant is too frequent to cause the disease. Based on the score and internal cut-off values, a variant classified as benign is not then subjected to further curation. The score for this variant resulted in a classification of benign for this disease.

GeneDx
Classification: Benign. Last evaluated: 2015-12-02. Review status: criteria provided, single submitter. Criteria: GeneDx Variant Classification (06012015). Collection method: clinical testing. Allele origin: germline. Affected: yes.
Comment: This variant is considered likely benign or benign based on one or more of the following criteria: it is a conservative change, it occurs at a poorly conserved position in the protein, it is predicted to be benign by multiple in silico algorithms, and/or has population frequency not consistent with disease.

Breakthrough Genomics
Classification: Benign. Review status: criteria provided, single submitter. Criteria: ACMG Guidelines, 2015. Collection method: not provided. Allele origin: germline. Inheritance: Autosomal recessive inheritance. Affected: yes.

PreventionGenetics, part of Exact Sciences
Classification: Benign. Review status: criteria provided, single submitter. Criteria: ACMG Guidelines, 2015. Collection method: clinical testing. Allele origin: germline.

NM_001374385.1(ATP8B1):c.3531+8G>T

Genes: ATP8B1 (ATPase phospholipid transporting 8B1; minus strand), ATP8B1-AS1 (ATP8B1 antisense RNA 1; plus strand). Cytogenetic location: 18q21.31.
Variant type: single nucleotide variant.
Coding change: c.3531+8G>T on transcript NM_001374385.1 (MANE Select); 8 bases into the intron after coding-DNA position 3531, G replaced by T.
Molecular consequence: intron variant.
Genome position (GRCh38, 1-based): chr18:57,650,359, C>A on the plus strand (G>T on the coding strand, the complement: ATP8B1 is on the minus strand). VCF-style: chr18-57650359-C-A. GRCh37 (hg19) VCF-style: chr18-55317591-C-A.
Other names: p.?; c.3531+8G>T (NM_005603.6); c.3381+8G>T (NM_001374386.1).
Identifiers: ClinVar variation 259822 (VCV000259822.16), dbSNP rs34027711, ClinGen allele CA8973991.